The following is an entry in ClinVar:

NM_004247.4(EFTUD2):c.1829T>A (p.Val610Asp)

Gene: EFTUD2 (elongation factor Tu GTP binding domain containing 2; minus strand). Cytogenetic location: 17q21.31.
Variant type: single nucleotide variant.
Coding change: c.1829T>A on transcript NM_004247.4 (MANE Select); coding-DNA position 1829, T replaced by A.
Protein change: p.Val610Asp; replaces valine 610 with aspartic acid.
Molecular consequence: missense variant.
Genome position (GRCh38, 1-based): chr17:44,859,936, A>T on the plus strand (T>A on the coding strand, the complement: EFTUD2 is on the minus strand). VCF-style: chr17-44859936-A-T. GRCh37 (hg19) VCF-style: chr17-42937304-A-T.
Other names: c.1724T>A, p.Val575Asp (NM_001142605.2); c.1829T>A, p.Val610Asp (NM_001258353.2); c.1799T>A, p.Val600Asp (NM_001258354.2); short protein forms V575D, V600D, V610D.
Identifiers: ClinVar variation 1723010 (VCV001723010.2), dbSNP rs2508751404, ClinGen allele CA399811805.

ClinVar aggregate classification (germline): Uncertain significance (1 of 4 stars; one submission).

Submission:

GeneDx
Classification: Uncertain significance. Last evaluated: 2022-05-06. Review status: criteria provided, single submitter. Criteria: GeneDx Variant Classification Process June 2021. Collection method: clinical testing. Allele origin: germline. Affected: yes.
Comment: Not observed at significant frequency in large population cohorts (gnomAD); In silico analysis supports that this missense variant has a deleterious effect on protein structure/function; Has not been previously published as pathogenic or benign to our knowledge